The following is an entry in ClinVar:

NM_022356.4(P3H1):c.1531G>T (p.Glu511Ter)

Gene: P3H1 (prolyl 3-hydroxylase 1; minus strand). Cytogenetic location: 1p34.2.
Variant type: single nucleotide variant.
Coding change: c.1531G>T on transcript NM_022356.4 (MANE Select); coding-DNA position 1531, G replaced by T.
Protein change: p.Glu511Ter; replaces glutamic acid 511 with a stop codon.
Molecular consequence: nonsense.
Genome position (GRCh38, 1-based): chr1:42,752,312, C>A on the plus strand (G>T on the coding strand, the complement: P3H1 is on the minus strand). VCF-style: chr1-42752312-C-A. GRCh37 (hg19) VCF-style: chr1-43217983-C-A.
Other names: c.1531G>T, p.Glu511Ter (NM_001146289.2, NM_001243246.2); short protein forms E511*.
Identifiers: ClinVar variation 2798227 (VCV002798227.3), dbSNP rs773832238, ClinGen allele CA801805.

ClinVar aggregate classification (germline): Pathogenic (1 of 4 stars; one submission).

Conditions:
Osteogenesis imperfecta type 8 (OI8). Identifiers: MedGen C1970458, MONDO:0012581, OMIM 610915.

Allele frequency attached by ClinVar (database versions not stated): gnomAD exomes below 0.00001; ExAC 0.00001.

Submission:

Labcorp Genetics (formerly Invitae), Labcorp
Classification: Pathogenic for Osteogenesis imperfecta type 8. Last evaluated: 2023-05-15. Review status: criteria provided, single submitter. Criteria: Invitae Variant Classification Sherloc (09022015). Collection method: clinical testing. Allele origin: germline.
Comment: For these reasons, this variant has been classified as Pathogenic. This variant has not been reported in the literature in individuals affected with P3H1-related conditions. This variant is present in population databases (rs773832238, gnomAD 0.003%). This sequence change creates a premature translational stop signal (p.Glu511*) in the P3H1 gene. It is expected to result in an absent or disrupted protein product. Loss-of-function variants in P3H1 are known to be pathogenic (PMID: 17277775, 18566967, 19088120, 22281939).

Literature cited by the submitters: PubMed 17277775; PubMed 18566967; PubMed 19088120; PubMed 22281939.